The following is an entry in ClinVar:

ClinVar aggregate classification (germline): Benign/Likely benign. Review status: criteria provided, multiple submitters, no conflicts (2 of 4 stars). 9 submissions from 9 submitters: Benign (6); Likely benign (1). 2 of the submissions do not count toward it. Last evaluated 2026-02-04.

Conditions:
Hypercalcemia, infantile, 1 (HCINF1). Identifiers: Orphanet 300547, MedGen CN031131, MONDO:0020739, OMIM 143880.

Allele frequency attached by ClinVar (database versions not stated): gnomAD exomes 0.23844 and 0.27941; ESP Exome Variant Server 0.27718; ExAC 0.27882; gnomAD 0.28667 and 0.29204; TOPMed 0.30025; 1000 Genomes Project 30x 0.39132; 1000 Genomes Project 0.39557.
gnomAD v4.1: 394,353 of 1,613,812 alleles (24%); highest among the groups gnomAD compares: East Asian, 59%; 53,848 homozygotes.

Submissions (9):

Labcorp Genetics (formerly Invitae), Labcorp
Classification: Benign. Last evaluated: 2026-02-04. Review status: criteria provided, single submitter. Criteria: Invitae Variant Classification Sherloc (09022015). Collection method: clinical testing. Allele origin: germline.

Blueprint Genetics
Classification: Likely benign. Last evaluated: 2024-11-28. Review status: criteria provided, single submitter. Criteria: ACMG Guidelines, 2015. Collection method: clinical testing. Allele origin: germline.

Mayo Clinic Laboratories, Mayo Clinic
Classification: Benign. Last evaluated: 2022-03-09. Review status: criteria provided, single submitter. Criteria: ACMG Guidelines, 2015. Collection method: clinical testing. Allele origin: germline. Observed: 81 variant alleles.

Genome-Nilou Lab
Classification: Benign for Hypercalcemia, infantile, 1. Last evaluated: 2021-07-30. Review status: criteria provided, single submitter. Criteria: ACMG Guidelines, 2015. Collection method: clinical testing. Allele origin: germline. Affected: no.

GeneDx
Classification: Benign. Last evaluated: 2018-11-10. Review status: criteria provided, single submitter. Criteria: GeneDx Variant Classification Process June 2021. Collection method: clinical testing. Allele origin: germline. Affected: yes.

Illumina Laboratory Services, Illumina
Classification: Benign for Hypercalcemia, infantile, 1. Last evaluated: 2018-01-13. Review status: criteria provided, single submitter. Criteria: ICSL Variant Classification Criteria 13 December 2019. Collection method: clinical testing. Allele origin: germline.
Comment: This variant was observed in the ICSL laboratory as part of a predisposition screen in an ostensibly healthy population. It had not been previously curated by ICSL or reported in the Human Gene Mutation Database (HGMD: prior to June 1st, 2018), and was therefore a candidate for classification through an automated scoring system. Utilizing variant allele frequency, disease prevalence and penetrance estimates, and inheritance mode, an automated score was calculated to assess if this variant is too frequent to cause the disease. Based on the score and internal cut-off values, a variant classified as benign is not then subjected to further curation. The score for this variant resulted in a classification of benign for this disease.

Breakthrough Genomics
Classification: Benign. Review status: criteria provided, single submitter. Criteria: ACMG Guidelines, 2015. Collection method: not provided. Allele origin: germline. Inheritance: Autosomal recessive inheritance. Affected: yes.

Diagnostic Laboratory, Department of Genetics, University Medical Center Groningen
Classification: Benign. Review status: no assertion criteria provided. Collection method: clinical testing. Allele origin: germline. Affected: yes. Study: VKGL Data-share Consensus. Not counted in ClinVar's aggregate classification.

Joint Genome Diagnostic Labs from Nijmegen and Maastricht, Radboudumc and MUMC+
Classification: Benign. Review status: no assertion criteria provided. Collection method: clinical testing. Allele origin: germline. Affected: yes. Study: VKGL Data-share Consensus. Not counted in ClinVar's aggregate classification.

NM_000782.5(CYP24A1):c.1125G>A (p.Pro375=)

Gene: CYP24A1 (cytochrome P450 family 24 subfamily A member 1; minus strand). Cytogenetic location: 20q13.2.
Variant type: single nucleotide variant.
Coding change: c.1125G>A on transcript NM_000782.5 (MANE Select); coding-DNA position 1125, G replaced by A.
Protein change: p.Pro375=; no amino-acid change (proline 375 retained).
Molecular consequence: synonymous variant.
Genome position (GRCh38, 1-based): chr20:54,158,989, C>T on the plus strand (G>A on the coding strand, the complement: CYP24A1 is on the minus strand). VCF-style: chr20-54158989-C-T. GRCh37 (hg19) VCF-style: chr20-52775528-C-T.
Other names: p.Pro375=; c.1125G>A, p.Pro375= (NM_001128915.2).
Identifiers: ClinVar variation 338815 (VCV000338815.26), dbSNP rs2296239, ClinGen allele CA9915897.